The following is an entry in ClinVar:

NM_000535.7(PMS2):c.2141A>G (p.Gln714Arg)

Gene: PMS2 (PMS1 homolog 2, mismatch repair system component; minus strand). Cytogenetic location: 7p22.1.
Variant type: single nucleotide variant.
Coding change: c.2141A>G on transcript NM_000535.7 (MANE Select); coding-DNA position 2141, A replaced by G.
Protein change: p.Gln714Arg; replaces glutamine 714 with arginine.
Molecular consequence: missense variant. On other transcripts: non-coding transcript variant (1).
Genome position (GRCh38, 1-based): chr7:5,982,857, T>C on the plus strand (A>G on the coding strand, the complement: PMS2 is on the minus strand). VCF-style: chr7-5982857-T-C. GRCh37 (hg19) VCF-style: chr7-6022488-T-C.
Other names: c.1736A>G, p.Gln579Arg (NM_001406891.1, NM_001406892.1, NM_001406893.1 and 15 more transcripts); c.1676A>G, p.Gln559Arg (NM_001406900.1); c.1667A>G, p.Gln556Arg (NM_001406901.1, NM_001406902.1); c.1628A>G, p.Gln543Arg (NM_001406904.1, NM_001406905.1); c.1580A>G, p.Gln527Arg (NM_001406906.1, NM_001406907.1, NM_001322010.2); c.1568A>G, p.Gln523Arg (NM_001406909.1, NM_001322013.2); c.1370A>G, p.Gln457Arg (NM_001406911.1); c.938A>G, p.Gln313Arg (NM_001406912.1); and 14 more; short protein forms Q523R, Q543R, Q608R, Q678R, Q776R, Q313R, Q403R, Q527R.
Identifiers: ClinVar variation 1786591 (VCV001786591.4), dbSNP rs1160860634, ClinGen allele CA366737902.

ClinVar aggregate classification (germline): Uncertain significance. Review status: criteria provided, multiple submitters, no conflicts (2 of 4 stars). 3 submissions from 3 submitters: Uncertain significance (3). Last evaluated 2024-09-21.

Conditions:
Hereditary cancer-predisposing syndrome. Also called: Neoplastic Syndromes, Hereditary; Tumor predisposition; Hereditary Cancer Syndrome; Hereditary neoplastic syndrome. Identifiers: Orphanet 140162, MedGen C0027672, MeSH D009386, MONDO:0015356.

Submissions (3):

Quest Diagnostics Nichols Institute San Juan Capistrano
Classification: Uncertain significance. Last evaluated: 2024-09-21. Review status: criteria provided, single submitter. Criteria: Quest Diagnostics criteria. Collection method: clinical testing. Allele origin: unknown.
Comment: The PMS2 c.2141A>G (p.Gln714Arg) variant has not been reported in individuals with PMS2-related conditions in the published literature. It also has not been reported in large, multi-ethnic general populations (Genome Aggregation Database). Analysis of this variant using bioinformatics tools for the prediction of the effect of amino acid changes on protein structure and function yielded predictions that this variant is benign. Based on the available information, we are unable to determine the clinical significance of this variant.

Color Diagnostics, LLC DBA Color Health
Classification: Uncertain significance for Hereditary cancer-predisposing syndrome. Last evaluated: 2023-08-30. Review status: criteria provided, single submitter. Criteria: ACMG Guidelines, 2015. Collection method: clinical testing. Allele origin: germline.
Comment: This missense variant replaces glutamine with arginine at codon 714 of the PMS2 protein. Computational prediction suggests that this variant may not impact protein structure and function (internally defined REVEL score threshold <= 0.5, PMID: 27666373). To our knowledge, functional studies have not been reported for this variant. This variant has not been reported in individuals affected with PMS2-related disorders in the literature. This variant has not been identified in the general population by the Genome Aggregation Database (gnomAD). The available evidence is insufficient to determine the role of this variant in disease conclusively. Therefore, this variant is classified as a Variant of Uncertain Significance.

Ambry Genetics
Classification: Uncertain significance for Hereditary cancer-predisposing syndrome. Last evaluated: 2022-01-15. Review status: criteria provided, single submitter. Criteria: Ambry Variant Classification Scheme 2023. Collection method: clinical testing. Allele origin: germline.
Comment: The p.Q714R variant (also known as c.2141A>G), located in coding exon 12 of the PMS2 gene, results from an A to G substitution at nucleotide position 2141. The glutamine at codon 714 is replaced by arginine, an amino acid with highly similar properties. This amino acid position is conserved. In addition, this alteration is predicted to be tolerated by in silico analysis. Since supporting evidence is limited at this time, the clinical significance of this alteration remains unclear.